The following is an entry in ClinVar:

NM_003238.6(TGFB2):c.919G>C (p.Ala307Pro)

Gene: TGFB2 (transforming growth factor beta 2; plus strand). Cytogenetic location: 1q41.
Variant type: single nucleotide variant.
Coding change: c.919G>C on transcript NM_003238.6 (MANE Select); coding-DNA position 919, G replaced by C.
Protein change: p.Ala307Pro; replaces alanine 307 with proline.
Molecular consequence: missense variant. On other transcripts: non-coding transcript variant (2).
Genome position (GRCh38, 1-based): chr1:218,436,134, G>C. VCF-style: chr1-218436134-G-C. GRCh37 (hg19) VCF-style: chr1-218609476-G-C.
Other names: c.1003G>C, p.Ala335Pro (NM_001135599.4); short protein forms A335P, A307P.
Identifiers: ClinVar variation 2197295 (VCV002197295.5), dbSNP rs1178400838, ClinGen allele CA344727344.

ClinVar aggregate classification (germline): Uncertain significance (1 of 4 stars; one submission).

Conditions:
Loeys-Dietz syndrome 4 (LDS4). Also called: ANEURYSM, AORTIC AND CEREBRAL, WITH ARTERIAL TORTUOSITY AND SKELETAL MANIFESTATIONS; TGFB2-Related Loeys-Dietz Syndrome. Identifiers: MedGen C3553762, MONDO:0013897, OMIM 614816.

gnomAD v4.1: 4 of 1,611,236 alleles (0.00025%); highest among the groups gnomAD compares: Non-Finnish European, 0.00034%; no homozygotes.

Submission:

Labcorp Genetics (formerly Invitae), Labcorp
Classification: Uncertain significance for Loeys-Dietz syndrome 4. Last evaluated: 2022-09-15. Review status: criteria provided, single submitter. Criteria: Invitae Variant Classification Sherloc (09022015). Collection method: clinical testing. Allele origin: germline.
Comment: This sequence change replaces alanine, which is neutral and non-polar, with proline, which is neutral and non-polar, at codon 307 of the TGFB2 protein (p.Ala307Pro). This variant is not present in population databases (gnomAD no frequency). This variant has not been reported in the literature in individuals affected with TGFB2-related conditions. Advanced modeling of protein sequence and biophysical properties (such as structural, functional, and spatial information, amino acid conservation, physicochemical variation, residue mobility, and thermodynamic stability) performed at Invitae indicates that this missense variant is not expected to disrupt TGFB2 protein function. In summary, the available evidence is currently insufficient to determine the role of this variant in disease. Therefore, it has been classified as a Variant of Uncertain Significance.